The following is an entry in ClinVar:

NM_000052.7(ATP7A):c.-10G>C

Gene: ATP7A (ATPase copper transporting alpha; plus strand). Cytogenetic location: Xq21.1.
Variant type: single nucleotide variant.
Coding change: c.-10G>C on transcript NM_000052.7 (MANE Select); 10 bases upstream of the start codon, G replaced by C.
Molecular consequence: 5 prime UTR variant. On other transcripts: non-coding transcript variant (1).
Genome position (GRCh38, 1-based): chrX:77,971,632, G>C. VCF-style: chrX-77971632-G-C. GRCh37 (hg19) VCF-style: chrX-77227129-G-C.
Other names: c.-10G>C (NM_001282224.2).
Identifiers: ClinVar variation 3041538 (VCV003041538.2), dbSNP rs782179225, ClinGen allele CA10458875.

ClinVar aggregate classification (germline): Likely benign (0 of 4 stars; one submission).

Conditions:
ATP7A-related disorder. Also called: ATP7A-related condition.

Allele frequency attached by ClinVar (database versions not stated): ExAC 0.00001.

Submission:

PreventionGenetics, part of Exact Sciences
Classification: Likely benign for ATP7A-related condition. Last evaluated: 2024-01-17. Review status: no assertion criteria provided. Collection method: clinical testing. Allele origin: germline.
Comment: This variant is classified as likely benign based on ACMG/AMP sequence variant interpretation guidelines (Richards et al. 2015 PMID: 25741868, with internal and published modifications).